The following is an entry in ClinVar:

ClinVar aggregate classification (germline): Uncertain significance (1 of 4 stars; one submission).

Submission:

Greenwood Genetic Center Diagnostic Laboratories, Greenwood Genetic Center
Classification: Uncertain significance. Last evaluated: 2024-03-11. Review status: criteria provided, single submitter. Criteria: ACMG Guidelines, 2015. Collection method: clinical testing. Allele origin: germline. Affected: yes.
Comment: PM2, PM5_Supporting, PP2, PP3

NM_001303256.3(MORC2):c.329G>A (p.Arg110His)

Gene: MORC2 (MORC family CW-type zinc finger 2; minus strand). Cytogenetic location: 22q12.2.
Variant type: single nucleotide variant.
Coding change: c.329G>A on transcript NM_001303256.3 (MANE Select); coding-DNA position 329, G replaced by A.
Protein change: p.Arg110His; replaces arginine 110 with histidine.
Molecular consequence: missense variant.
Genome position (GRCh38, 1-based): chr22:30,946,438, C>T on the plus strand (G>A on the coding strand, the complement: MORC2 is on the minus strand). VCF-style: chr22-30946438-C-T. GRCh37 (hg19) VCF-style: chr22-31342425-C-T.
Other names: c.329G>A, p.Arg110His (NM_001303257.2); c.143G>A, p.Arg48His (NM_014941.3); short protein forms R110H, R48H.
Identifiers: ClinVar variation 3235788 (VCV003235788.1), dbSNP rs980180430, ClinGen allele CA411244910.